The following is an entry in ClinVar:

NM_002617.4(PEX10):c.194-2A>G

Gene: PEX10 (peroxisomal biogenesis factor 10; minus strand). Cytogenetic location: 1p36.32.
Variant type: single nucleotide variant.
Coding change: c.194-2A>G on transcript NM_002617.4 (MANE Select); the canonical splice acceptor site of the intron before coding-DNA position 194, A replaced by G.
Molecular consequence: splice acceptor variant.
Genome position (GRCh38, 1-based): chr1:2,408,860, T>C on the plus strand (A>G on the coding strand, the complement: PEX10 is on the minus strand). VCF-style: chr1-2408860-T-C. GRCh37 (hg19) VCF-style: chr1-2340299-T-C.
Other names: c.-239-2A>G (NM_001374427.1, NM_001374426.1); c.194-2A>G (NM_001374425.1, NM_153818.2, NM_153818.1).
Identifiers: ClinVar variation 3370422 (VCV003370422.3).
Genomic context (GRCh38, chr1:2,408,860, plus strand): 5'-TATCCGCGATGGGTCCACCTGGATGATGCTGACGTACTCCTCCCCCAGGGTCTGGTAGCC[T>C]GCGAGGAAGAGGATGGGTATGTGGACCCTGAGACTGCTGCCGCGGGGACAGGCTCCCGGC-3'

ClinVar aggregate classification (germline): Likely pathogenic. Review status: criteria provided, single submitter (1 of 4 stars). 2 submissions from 2 submitters: Likely pathogenic (1). 1 of the submissions does not count toward it. Last evaluated 2025-03-24.

Conditions:
Peroxisome biogenesis disorder 6A (Zellweger). Also called: Peroxisome biogenesis disorder 6A. Identifiers: Orphanet 912, MedGen C3553947, MONDO:0013936, OMIM 614870.
Peroxisome biogenesis disorder 6B (PBD6B). Identifiers: Orphanet 44, MedGen C3553948, MONDO:0013937, OMIM 614871.
Zellweger spectrum disorders (ZS). Also called: Zellweger Spectrum Disorder (ZSD); Zellweger syndrome; Zellweger Spectrum Disorder; Zellweger Spectrum. Identifiers: Orphanet 912, MedGen C0043459, MONDO:0019609.

Submissions (2):

Natera, Inc.
Classification: Likely pathogenic for Zellweger syndrome. Last evaluated: 2025-03-24. Review status: criteria provided, single submitter. Criteria: Natera Variant Classification Schema (03/2026). Collection method: clinical testing. Allele origin: germline.
Comment: The c.194-2A>G variant in PEX10 is a canonical splice acceptor site variant predicted to affect pre-mRNA splicing, which may result in an abnormal transcript and altered protein product. This variant is expected to result in nonsense mediated decay, truncation, or a dysfunctional protein product. This variant is rare in the general population with a frequency below the threshold expected for the associated phenotype(s). Given the available evidence, this variant is classified as Likely Pathogenic.

Department of Genetics, Suzhou Beikang Medical Laboratory
Classification: Likely pathogenic for Peroxisome biogenesis disorder 6A (Zellweger); Peroxisome biogenesis disorder 6B. Last evaluated: 2024-10-31. Review status: no assertion criteria provided. Collection method: clinical testing. Allele origin: germline. Affected: no. Not counted in ClinVar's aggregate classification.
Comment: This sequence change affects an acceptor splice site in intron 2 of the PEX10 gene. It is expected to disrupt RNA splicing. Variants that disrupt the donor or acceptor splice site typically lead to a loss of protein function (PMID: 16199547), and loss-of-function variants in PEX10 are known to be pathogenic (PMID: 10862081, 20695019). This variant is not present in population databases (gnomAD no frequency). This variant has not been reported in the literature in individuals affected with PEX10-related conditions. Algorithms developed to predict the effect of sequence changes on RNA splicing suggest that this variant may disrupt the consensus splice site. In summary, the currently available evidence indicates that the variant is pathogenic, but additional data are needed to prove that conclusively. Therefore, this variant has been classified as Likely Pathogenic.